The following is an entry in ClinVar:

ClinVar aggregate classification (germline): Uncertain significance. Review status: criteria provided, single submitter (1 of 4 stars). 2 submissions from 2 submitters: Uncertain significance (1). 1 of the submissions does not count toward it. Last evaluated 2022-05-04.

Conditions:
Alpha thalassemia-X-linked intellectual disability syndrome (ATRX). Also called: X-linked alpha-thalassemia-mental retardation syndrome; ALPHA-THALASSEMIA/IMPAIRED INTELLECTUAL DEVELOPMENT SYNDROME, X-LINKED; ALPHA-THALASSEMIA/MENTAL RETARDATION SYNDROME, X-LINKED; ATR, NONDELETION TYPE; ATR-X syndrome; Alpha thalassemia mental retardation syndrome, nondeletion type, X-linked. Identifiers: Orphanet 847, MedGen C1845055, MONDO:0010519, OMIM 301040.

Allele frequency attached by ClinVar (database versions not stated): gnomAD 0.00001; TOPMed 0.00001.

Submissions (2):

GeneDx
Classification: Uncertain significance. Last evaluated: 2022-05-04. Review status: criteria provided, single submitter. Criteria: GeneDx Variant Classification Process June 2021. Collection method: clinical testing. Allele origin: germline. Affected: yes.
Comment: Not observed in large population cohorts (gnomAD); In silico analysis supports that this variant does not alter splicing; Has not been previously published as pathogenic or benign to our knowledge

Natera, Inc.
Classification: Uncertain significance for X-linked alpha-thalassemia-mental retardation syndrome. Last evaluated: 2021-08-02. Review status: no assertion criteria provided. Collection method: clinical testing. Allele origin: germline. Not counted in ClinVar's aggregate classification.

NM_000489.6(ATRX):c.4956+3A>G

Gene: ATRX (ATRX chromatin remodeler; minus strand). Cytogenetic location: Xq21.1.
Variant type: single nucleotide variant.
Coding change: c.4956+3A>G on transcript NM_000489.6 (MANE Select); 3 bases into the intron after coding-DNA position 4956, A replaced by G.
Molecular consequence: intron variant.
Genome position (GRCh38, 1-based): chrX:77,633,563, T>C on the plus strand (A>G on the coding strand, the complement: ATRX is on the minus strand). VCF-style: chrX-77633563-T-C. GRCh37 (hg19) VCF-style: chrX-76889051-T-C.
Other names: c.4842+3A>G (NM_138270.5).
Identifiers: ClinVar variation 1203276 (VCV001203276.6), dbSNP rs1434725771, ClinGen allele CA878440618.